The following is an entry in ClinVar:

ClinVar aggregate classification (germline): Uncertain significance (1 of 4 stars; one submission).

Submission:

Ambry Genetics
Classification: Uncertain significance. Last evaluated: 2025-11-05. Review status: criteria provided, single submitter. Criteria: Ambry Variant Classification Scheme 2023. Collection method: clinical testing. Allele origin: germline.
Comment: The p.H728Y variant (also known as c.2182C>T), located in coding exon 12 of the ATRIP gene, results from a C to T substitution at nucleotide position 2182. The histidine at codon 728 is replaced by tyrosine, an amino acid with similar properties. This amino acid position is conserved. In addition, the in silico prediction for this alteration is inconclusive. Based on the available evidence, the clinical significance of this variant remains unclear.

NM_130384.3(ATRIP):c.2182C>T (p.His728Tyr)

Genes: ATRIP (ATR interacting protein; plus strand), ATRIP-TREX1 (ATRIP-TREX1 readthrough; plus strand). Cytogenetic location: 3p21.31.
Variant type: single nucleotide variant.
Coding change: c.2182C>T on transcript NM_130384.3 (MANE Select); coding-DNA position 2182, C replaced by T.
Protein change: p.His728Tyr; replaces histidine 728 with tyrosine.
Molecular consequence: missense variant. On other transcripts: non-coding transcript variant (1).
Genome position (GRCh38, 1-based): chr3:48,464,957, C>T. VCF-style: chr3-48464957-C-T. GRCh37 (hg19) VCF-style: chr3-48506356-C-T.
Other names: c.1801C>T, p.His601Tyr (NM_001271022.2); c.1903C>T, p.His635Tyr (NM_001271023.2); c.2101C>T, p.His701Tyr (NM_032166.4); short protein forms H635Y, H601Y, H728Y, H701Y.
Identifiers: ClinVar variation 4644575 (VCV004644575.1).